The following is an entry in ClinVar:

NM_015631.6(TCTN3):c.1606A>G (p.Thr536Ala)

Gene: TCTN3 (tectonic family member 3; minus strand). Cytogenetic location: 10q24.1.
Variant type: single nucleotide variant.
Coding change: c.1606A>G on transcript NM_015631.6 (MANE Select); coding-DNA position 1606, A replaced by G.
Protein change: p.Thr536Ala; replaces threonine 536 with alanine.
Molecular consequence: missense variant.
Genome position (GRCh38, 1-based): chr10:95,664,285, T>C on the plus strand (A>G on the coding strand, the complement: TCTN3 is on the minus strand). VCF-style: chr10-95664285-T-C. GRCh37 (hg19) VCF-style: chr10-97424042-T-C.
Other names: c.1606A>G (NM_015631.5); c.1162A>G, p.Thr388Ala (NM_001143973.2); short protein forms T536A, T388A.
Identifiers: ClinVar variation 1398024 (VCV001398024.5), dbSNP rs1290852650, ClinGen allele CA377699508.

ClinVar aggregate classification (germline): Uncertain significance. Review status: criteria provided, multiple submitters, no conflicts (2 of 4 stars). 2 submissions from 2 submitters: Uncertain significance (2). Last evaluated 2025-09-04.

Conditions:
Inborn genetic diseases. Identifiers: MedGen C0950123, MeSH D030342.
Joubert syndrome 18 (JBTS18). Identifiers: Orphanet 2754, MedGen C3553758, MONDO:0013896, OMIM 614815.
Orofacial-digital syndrome IV (OFD4). Also called: BARAITSER-BURN SYNDROME; MOHR-MAJEWSKI SYNDROME; OFD SYNDROME WITH TIBIAL DEFECTS; OFD SYNDROME, BARAITSER-BURN TYPE; OFDS IV; ORAL-FACIAL-DIGITAL SYNDROME, TYPE IV. Identifiers: Orphanet 2753, MedGen C0406727, MONDO:0009794, OMIM 258860.

Allele frequency attached by ClinVar (database versions not stated): TOPMed below 0.00001; gnomAD exomes 0.00002.
gnomAD v4.1: 9 of 1,613,974 alleles (0.00056%); highest among the groups gnomAD compares: Admixed American, 0.015%; 1 homozygote.

Submissions (2):

Ambry Genetics
Classification: Uncertain significance for Inborn genetic diseases. Last evaluated: 2025-09-04. Review status: criteria provided, single submitter. Criteria: Ambry Variant Classification Scheme 2023. Collection method: clinical testing. Allele origin: germline.

Labcorp Genetics (formerly Invitae), Labcorp
Classification: Uncertain significance for Joubert syndrome 18; Orofacial-digital syndrome IV. Last evaluated: 2024-01-22. Review status: criteria provided, single submitter. Criteria: Invitae Variant Classification Sherloc (09022015). Collection method: clinical testing. Allele origin: germline.
Comment: This sequence change replaces threonine, which is neutral and polar, with alanine, which is neutral and non-polar, at codon 536 of the TCTN3 protein (p.Thr536Ala). This variant is present in population databases (no rsID available, gnomAD 0.01%). This variant has not been reported in the literature in individuals affected with TCTN3-related conditions. ClinVar contains an entry for this variant (Variation ID: 1398024). Advanced modeling of protein sequence and biophysical properties (such as structural, functional, and spatial information, amino acid conservation, physicochemical variation, residue mobility, and thermodynamic stability) performed at Invitae indicates that this missense variant is not expected to disrupt TCTN3 protein function with a negative predictive value of 80%. In summary, the available evidence is currently insufficient to determine the role of this variant in disease. Therefore, it has been classified as a Variant of Uncertain Significance.